The following is an entry in ClinVar:

NM_003482.4(KMT2D):c.14956C>T (p.Arg4986Cys)

Gene: KMT2D (lysine methyltransferase 2D; minus strand). Cytogenetic location: 12q13.12.
Variant type: single nucleotide variant.
Coding change: c.14956C>T on transcript NM_003482.4 (MANE Select); coding-DNA position 14956, C replaced by T.
Protein change: p.Arg4986Cys; replaces arginine 4986 with cysteine.
Molecular consequence: missense variant.
Genome position (GRCh38, 1-based): chr12:49,027,010, G>A on the plus strand (C>T on the coding strand, the complement: KMT2D is on the minus strand). VCF-style: chr12-49027010-G-A. GRCh37 (hg19) VCF-style: chr12-49420793-G-A.
Other names: short protein forms R4986C.
Identifiers: ClinVar variation 1942735 (VCV001942735.6), dbSNP rs765693458, ClinGen allele CA6545629.

ClinVar aggregate classification (germline): Conflicting classifications of pathogenicity. Review status: criteria provided, conflicting classifications (1 of 4 stars). 2 submissions from 2 submitters: Uncertain significance (1); Likely benign (1). Last evaluated 2025-11-03.

Conditions:
Kabuki syndrome. Also called: Kabuki make-up syndrome; NIIKAWA-KUROKI SYNDROME. Identifiers: Orphanet 2322, MedGen C0796004, MONDO:0016512.
KMT2D-related disorder. Also called: KMT2D-Related Disorders.

Allele frequency attached by ClinVar (database versions not stated): ExAC 0.00001; gnomAD exomes 0.00001; TOPMed 0.00001; gnomAD 0.00003.
gnomAD v4.1: 15 of 1,613,910 alleles (0.00093%); highest among the groups gnomAD compares: Non-Finnish European, 0.0013%; no homozygotes.

Submissions (2):

PreventionGenetics, part of Exact Sciences
Classification: Uncertain significance for KMT2D-related condition. Last evaluated: 2025-11-03. Review status: criteria provided, single submitter. Criteria: ACMG Guidelines, 2015. Collection method: clinical testing. Allele origin: germline.
Comment: The KMT2D c.14956C>T variant is predicted to result in the amino acid substitution p.Arg4986Cys. To our knowledge, this variant has not been reported in the literature. This variant is reported in 0.0027% of alleles in individuals of European (Non-Finnish) descent in gnomAD. At this time, the clinical significance of this variant is uncertain due to the absence of conclusive functional and genetic evidence.

Labcorp Genetics (formerly Invitae), Labcorp
Classification: Likely benign for Kabuki syndrome. Last evaluated: 2023-05-16. Review status: criteria provided, single submitter. Criteria: Invitae Variant Classification Sherloc (09022015). Collection method: clinical testing. Allele origin: germline.